The following is an entry in ClinVar:

ClinVar aggregate classification (germline): Uncertain significance. Review status: criteria provided, single submitter (1 of 4 stars). 3 submissions from 3 submitters: Uncertain significance (1). 2 of the submissions do not count toward it. Last evaluated 2022-05-04.

Conditions:
Dyskeratosis congenita. Identifiers: Orphanet 1775, MedGen C0265965, MONDO:0015780.
Dyskeratosis congenita, X-linked (DKCX). Also called: Zinsser-Cole-Engman Syndrome. Identifiers: MedGen C1148551, MONDO:0010584, OMIM 305000.

Submissions (3):

Labcorp Genetics (formerly Invitae), Labcorp
Classification: Uncertain significance for Dyskeratosis congenita. Last evaluated: 2022-05-04. Review status: criteria provided, single submitter. Criteria: Invitae Variant Classification Sherloc (09022015). Collection method: clinical testing. Allele origin: germline.
Comment: ClinVar contains an entry for this variant (Variation ID: 38940). This missense change has been observed in individual(s) with dyskeratosis congenita (PMID: 10364516). This variant is not present in population databases (gnomAD no frequency). This sequence change replaces glutamic acid, which is acidic and polar, with lysine, which is basic and polar, at codon 41 of the DKC1 protein (p.Glu41Lys). In summary, the available evidence is currently insufficient to determine the role of this variant in disease. Therefore, it has been classified as a Variant of Uncertain Significance. Experimental studies have shown that this missense change does not substantially affect DKC1 function (PMID: 22117216). Algorithms developed to predict the effect of missense changes on protein structure and function (SIFT, PolyPhen-2, Align-GVGD) all suggest that this variant is likely to be tolerated.

GeneReviews
No classification provided. Condition: Dyskeratosis congenita, X-linked. Review status: no classification provided. Collection method: literature only. Allele origin: unknown. Not counted in ClinVar's aggregate classification.

UniProtKB/Swiss-Prot
No classification provided. Condition: Dyskeratosis congenita X-linked. Review status: no classification provided. Collection method: not provided. Allele origin: germline. Not counted in ClinVar's aggregate classification.

Literature cited by the submitters: PubMed 10364516 (cited by Labcorp Genetics (formerly Invitae), Labcorp); PubMed 22117216 (cited by Labcorp Genetics (formerly Invitae), Labcorp); PubMed 20301779 (cited by GeneReviews); NCBI Bookshelf NBK22301 (cited by GeneReviews).

NM_001363.5(DKC1):c.121G>A (p.Glu41Lys)

Gene: DKC1 (dyskerin pseudouridine synthase 1; plus strand). Cytogenetic location: Xq28.
Variant type: single nucleotide variant.
Coding change: c.121G>A on transcript NM_001363.5 (MANE Select); coding-DNA position 121, G replaced by A.
Protein change: p.Glu41Lys; replaces glutamic acid 41 with lysine.
Molecular consequence: missense variant. On other transcripts: non-coding transcript variant (3).
Genome position (GRCh38, 1-based): chrX:154,765,480, G>A. VCF-style: chrX-154765480-G-A. GRCh37 (hg19) VCF-style: chrX-153993755-G-A.
Other names: c.121G>A, p.Glu41Lys (NM_001142463.3, NM_001288747.2); short protein forms E41K.
Identifiers: ClinVar variation 38940 (VCV000038940.7), dbSNP rs121912302, ClinGen allele CA343221.